The following is an entry in ClinVar:

NM_201253.3(CRB1):c.716G>T (p.Cys239Phe)

Gene: CRB1 (crumbs cell polarity complex component 1; plus strand). Cytogenetic location: 1q31.3.
Variant type: single nucleotide variant.
Coding change: c.716G>T on transcript NM_201253.3 (MANE Select); coding-DNA position 716, G replaced by T.
Protein change: p.Cys239Phe; replaces cysteine 239 with phenylalanine.
Molecular consequence: missense variant. On other transcripts: non-coding transcript variant (2), intron variant (1).
Genome position (GRCh38, 1-based): chr1:197,344,344, G>T. VCF-style: chr1-197344344-G-T. GRCh37 (hg19) VCF-style: chr1-197313474-G-T.
Other names: c.509G>T, p.Cys170Phe (NM_001257965.2); c.716G>T, p.Cys239Phe (NM_001257966.2); c.653-12487G>T (NM_001193640.2); short protein forms C239F, C170F.
Identifiers: ClinVar variation 1386538 (VCV001386538.6), dbSNP rs771079655, ClinGen allele CA344083243.

ClinVar aggregate classification (germline): Pathogenic (1 of 4 stars; one submission).

Conditions:
Leber congenital amaurosis 8 (LCA8). Identifiers: Orphanet 65, MedGen C3151202, MONDO:0013453, OMIM 613835.
Retinitis pigmentosa 12 (RP12). Also called: RP WITH OR WITHOUT PRESERVED PARAARTERIOLE RETINAL PIGMENT EPITHELIUM; RETINITIS PIGMENTOSA WITH OR WITHOUT PARAARTERIOLAR PRESERVATION OF RETINAL PIGMENT EPITHELIUM; RP WITH OR WITHOUT PPRPE. Identifiers: Orphanet 791, MedGen C1838647, MONDO:0010818, OMIM 600105.

Submission:

Labcorp Genetics (formerly Invitae), Labcorp
Classification: Pathogenic for Leber congenital amaurosis 8; Retinitis pigmentosa 12. Last evaluated: 2022-05-27. Review status: criteria provided, single submitter. Criteria: Invitae Variant Classification Sherloc (09022015). Collection method: clinical testing. Allele origin: germline.
Comment: For these reasons, this variant has been classified as Pathogenic. This variant disrupts the p.Cys239 amino acid residue in CRB1. Other variant(s) that disrupt this residue have been observed in individuals with CRB1-related conditions (PMID: 31106028; Invitae), which suggests that this may be a clinically significant amino acid residue. Algorithms developed to predict the effect of sequence changes on RNA splicing suggest that this variant may create or strengthen a splice site. Advanced modeling of protein sequence and biophysical properties (such as structural, functional, and spatial information, amino acid conservation, physicochemical variation, residue mobility, and thermodynamic stability) performed at Invitae indicates that this missense variant is expected to disrupt CRB1 protein function. This missense change has been observed in individual(s) with clinical features of macular dystrophy (Invitae). In at least one individual the data is consistent with being in trans (on the opposite chromosome) from a pathogenic variant. It has also been observed to segregate with disease in related individuals. This variant is not present in population databases (gnomAD no frequency). This sequence change replaces cysteine, which is neutral and slightly polar, with phenylalanine, which is neutral and non-polar, at codon 239 of the CRB1 protein (p.Cys239Phe).

Literature cited by the submitters: PubMed 31106028.